The following is an entry in ClinVar:

NM_001374385.1(ATP8B1):c.3385G>T (p.Ala1129Ser)

Genes: ATP8B1 (ATPase phospholipid transporting 8B1; minus strand), ATP8B1-AS1 (ATP8B1 antisense RNA 1; plus strand). Cytogenetic location: 18q21.31.
Variant type: single nucleotide variant.
Coding change: c.3385G>T on transcript NM_001374385.1 (MANE Select); coding-DNA position 3385, G replaced by T.
Protein change: p.Ala1129Ser; replaces alanine 1129 with serine.
Molecular consequence: missense variant.
Genome position (GRCh38, 1-based): chr18:57,652,049, C>A on the plus strand (G>T on the coding strand, the complement: ATP8B1 is on the minus strand). VCF-style: chr18-57652049-C-A. GRCh37 (hg19) VCF-style: chr18-55319281-C-A.
Other names: p.Ala1129Ser; c.3235G>T, p.Ala1079Ser (NM_001374386.1); c.3385G>T, p.Ala1129Ser (NM_005603.6); short protein forms A1129S, A1079S.
Identifiers: ClinVar variation 4542266 (VCV004542266.1).

ClinVar aggregate classification (germline): Uncertain significance (1 of 4 stars; one submission).

Submission:

Mayo Clinic Laboratories, Mayo Clinic
Classification: Uncertain significance. Last evaluated: 2024-12-19. Review status: criteria provided, single submitter. Criteria: ACMG Guidelines, 2015. Collection method: clinical testing. Allele origin: germline. Observed: 1 variant allele.
Comment: BP4_moderate, PM2_supporting